The following is an entry in ClinVar:

ClinVar aggregate classification (germline): Pathogenic (1 of 4 stars; one submission).

Allele frequency attached by ClinVar (database versions not stated): gnomAD exomes below 0.00001 and 0.00001; ExAC 0.00002; ESP Exome Variant Server 0.00015.
gnomAD v4.1: 1 of 1,613,872 alleles (0.000062%); highest among the groups gnomAD compares: African/African-American, 0.0013%; no homozygotes.

Submission:

Labcorp Genetics (formerly Invitae), Labcorp
Classification: Pathogenic. Last evaluated: 2022-07-19. Review status: criteria provided, single submitter. Criteria: Invitae Variant Classification Sherloc (09022015). Collection method: clinical testing. Allele origin: germline.
Comment: For these reasons, this variant has been classified as Pathogenic. This variant disrupts a region of the CYP17A1 protein in which other variant(s) (p.Pro480Hisfs*27) have been determined to be pathogenic (PMID: 1577471, 2786493). This suggests that this is a clinically significant region of the protein, and that variants that disrupt it are likely to be disease-causing. Variants that disrupt the consensus splice site are a relatively common cause of aberrant splicing (PMID: 17576681, 9536098). Algorithms developed to predict the effect of sequence changes on RNA splicing suggest that this variant may disrupt the consensus splice site. ClinVar contains an entry for this variant (Variation ID: 1440530). This variant has not been reported in the literature in individuals affected with CYP17A1-related conditions. This variant is present in population databases (rs148877970, gnomAD 0.007%). This sequence change affects a donor splice site in intron 7 of the CYP17A1 gene. While this variant is not anticipated to result in nonsense mediated decay, it likely alters RNA splicing and results in a disrupted protein product.

Literature cited by the submitters: PubMed 1577471; PubMed 2786493; PubMed 17576681; PubMed 9536098.

NM_000102.4(CYP17A1):c.1243+1G>T

Gene: CYP17A1 (cytochrome P450 family 17 subfamily A member 1; minus strand). Cytogenetic location: 10q24.32.
Variant type: single nucleotide variant.
Coding change: c.1243+1G>T on transcript NM_000102.4 (MANE Select); the canonical splice donor site of the intron after coding-DNA position 1243, G replaced by T.
Molecular consequence: splice donor variant.
Genome position (GRCh38, 1-based): chr10:102,831,507, C>A on the plus strand (G>T on the coding strand, the complement: CYP17A1 is on the minus strand). VCF-style: chr10-102831507-C-A. GRCh37 (hg19) VCF-style: chr10-104591264-C-A.
Identifiers: ClinVar variation 1440530 (VCV001440530.9), dbSNP rs148877970, ClinGen allele CA5669365.